The following is an entry in ClinVar:

NM_002016.2(FLG):c.7649G>T (p.Gly2550Val)

Genes: CCDST (cervical cancer associated DHX9 suppressive transcript; plus strand), FLG (filaggrin; minus strand). Cytogenetic location: 1q21.3.
Variant type: single nucleotide variant.
Coding change: c.7649G>T on transcript NM_002016.2 (MANE Select); coding-DNA position 7649, G replaced by T.
Protein change: p.Gly2550Val; replaces glycine 2550 with valine.
Molecular consequence: missense variant.
Genome position (GRCh38, 1-based): chr1:152,307,237, C>A on the plus strand (G>T on the coding strand, the complement: FLG is on the minus strand). VCF-style: chr1-152307237-C-A. GRCh37 (hg19) VCF-style: chr1-152279713-C-A.
Other names: short protein forms G2550V.
Identifiers: ClinVar variation 2386994 (VCV002386994.26), dbSNP rs144484740, ClinGen allele CA1104606.

ClinVar aggregate classification (germline): Conflicting classifications of pathogenicity. Review status: criteria provided, conflicting classifications (1 of 4 stars). 2 submissions from 2 submitters: Uncertain significance (1); Likely benign (1). Last evaluated 2024-01-01.

Conditions:
Inborn genetic diseases. Identifiers: MedGen C0950123, MeSH D030342.

Allele frequency attached by ClinVar (database versions not stated): gnomAD 0.00006.
gnomAD v4.1: 58 of 1,611,226 alleles (0.0036%); highest among the groups gnomAD compares: Middle Eastern, 0.017%; no homozygotes.

Submissions (2):

CeGaT Center for Human Genetics Tuebingen
Classification: Likely benign. Last evaluated: 2024-01-01. Review status: criteria provided, single submitter. Criteria: CeGaT Center For Human Genetics Tuebingen Variant Classification Criteria Version 2. Collection method: clinical testing. Allele origin: germline. Affected: yes. Observed: 2 variant alleles.
Comment: FLG: BP4, BS2

Ambry Genetics
Classification: Uncertain significance for Inborn genetic diseases. Last evaluated: 2022-02-10. Review status: criteria provided, single submitter. Criteria: Ambry Variant Classification Scheme 2023. Collection method: clinical testing. Allele origin: germline.